The following is an entry in ClinVar:

NM_000238.4(KCNH2):c.1869C>A (p.Thr623=)

Gene: KCNH2 (potassium voltage-gated channel subfamily H member 2; minus strand). Cytogenetic location: 7q36.1.
Variant type: single nucleotide variant.
Coding change: c.1869C>A on transcript NM_000238.4 (MANE Select); coding-DNA position 1869, C replaced by A.
Protein change: p.Thr623=; no amino-acid change (threonine 623 retained).
Molecular consequence: synonymous variant. On other transcripts: non-coding transcript variant (2).
Genome position (GRCh38, 1-based): chr7:150,951,524, G>T on the plus strand (C>A on the coding strand, the complement: KCNH2 is on the minus strand). VCF-style: chr7-150951524-G-T. GRCh37 (hg19) VCF-style: chr7-150648612-G-T.
Other names: c.849C>A, p.Thr283= (NM_001204798.2, NM_172057.3); c.1581C>A, p.Thr527= (NM_001406753.1, NM_001406756.1); c.1692C>A, p.Thr564= (NM_001406755.1); c.1569C>A, p.Thr523= (NM_001406757.1); c.1869C>A, p.Thr623= (NM_172056.3).
Identifiers: ClinVar variation 3071396 (VCV003071396.1), dbSNP rs1159620963, ClinGen allele CA458871487.
Genomic context (GRCh38, chr7:150,951,524, plus strand): 5'-GCAGATGGAGAAGATCTTCTCTGAGTTGGTGTTGGGAGAGACGTTGCCGAAGCCCACACT[G>T]GTGAGGCTGCTGAAGGTGAAGTAGAGCGCCGTCACATACTTGTCCTTGATGGAGGGGCCG-3'
Protein context (NP_000229.1, residues 613-633): TALYFTFSSL[Thr623=]SVGFGNVSPN

ClinVar aggregate classification (germline): Likely benign (1 of 4 stars; one submission).

Conditions:
Long QT syndrome (LQTS). Identifiers: MedGen C0023976, MeSH D008133, MONDO:0002442. Disease mechanism: loss of function. Inheritance: Various modes of inheritance.

gnomAD v4.1: 1 of 1,614,234 alleles (0.000062%); highest among the groups gnomAD compares: Non-Finnish European, 0.000085%; no homozygotes.

Submission:

All of Us Research Program, National Institutes of Health
Classification: Likely benign for Long QT syndrome. Last evaluated: 2023-05-30. Review status: criteria provided, single submitter. Criteria: ACMG Guidelines, 2015. Collection method: clinical testing. Allele origin: germline. Inheritance: Autosomal dominant inheritance. Observed: 1 variant allele, 1 heterozygote.
Comment: This study involves interpretation of variants in research participants for the purpose of population health screening. Participant phenotype was not available at the time of variant classification. Additional details can be found in publication PMID: 35346344, PMCID: PMC8962531